The following is an entry in ClinVar:

ClinVar aggregate classification (germline): Pathogenic (1 of 4 stars; one submission).

Submission:

ISCA Site 6
Classification: Pathogenic. Last evaluated: 2011-08-12. Review status: criteria provided, single submitter. Criteria: Kaminsky et al. (Genet Med. 2011). Collection method: clinical testing. Allele origin: unknown. Affected: yes. Observed: 1 variant allele.
Comment: Copy number variation identified through the course of routine clinical cytogenomic testing in postnatal populations. Clinical assertions have been curated as described in Kaminsky et al. 2011.

GRCh38/hg38 1q43-44(chr1:240244444-248891309)x3

Genes: ADSS2 (adenylosuccinate synthase 2; minus strand), AHCTF1 (AT-hook containing transcription factor 1; minus strand), AKT3 (AKT serine/threonine kinase 3; minus strand), AKT3-IT1 (AKT3 intronic transcript 1; minus strand), BECN2 (beclin 2; plus strand) and 271 more. Cytogenetic location: 1q43-44.
Variant type: copy number gain.
Change: copy number 3 (three copies instead of two) of chr1:240,244,444-248,891,309 (8.65 Mb, GRCh38 coordinates, 1-based), cytogenetic band 1q43-44.
Identifiers: ClinVar variation 58142 (VCV000058142.3).